The following is an entry in ClinVar:

ClinVar aggregate classification (germline): Uncertain significance. Review status: criteria provided, multiple submitters, no conflicts (2 of 4 stars). 2 submissions from 2 submitters: Uncertain significance (2). Last evaluated 2025-09-26.

Allele frequency attached by ClinVar (database versions not stated): gnomAD 0.00001; TOPMed 0.00001.
gnomAD v4.1: 13 of 1,613,788 alleles (0.00081%); highest among the groups gnomAD compares: African/African-American, 0.0027%; no homozygotes.

Submissions (2):

Ambry Genetics
Classification: Uncertain significance. Last evaluated: 2025-09-26. Review status: criteria provided, single submitter. Criteria: Ambry Variant Classification Scheme 2023. Collection method: clinical testing. Allele origin: germline.

Labcorp Genetics (formerly Invitae), Labcorp
Classification: Uncertain significance. Last evaluated: 2021-09-17. Review status: criteria provided, single submitter. Criteria: Invitae Variant Classification Sherloc (09022015). Collection method: clinical testing. Allele origin: germline.
Comment: In summary, the available evidence is currently insufficient to determine the role of this variant in disease. Therefore, it has been classified as a Variant of Uncertain Significance. Algorithms developed to predict the effect of missense changes on protein structure and function are either unavailable or do not agree on the potential impact of this missense change (SIFT: "Tolerated"; PolyPhen-2: "Probably Damaging"; Align-GVGD: "Class C0"). This variant has not been reported in the literature in individuals affected with KANK2-related conditions. This variant is not present in population databases (ExAC no frequency). This sequence change replaces glycine with serine at codon 361 of the KANK2 protein (p.Gly361Ser). The glycine residue is moderately conserved and there is a small physicochemical difference between glycine and serine.

NM_001136191.3(KANK2):c.1081G>A (p.Gly361Ser)

Gene: KANK2 (KN motif and ankyrin repeat domains 2; minus strand). Cytogenetic location: 19p13.2.
Variant type: single nucleotide variant.
Coding change: c.1081G>A on transcript NM_001136191.3 (MANE Select); coding-DNA position 1081, G replaced by A.
Protein change: p.Gly361Ser; replaces glycine 361 with serine.
Molecular consequence: missense variant.
Genome position (GRCh38, 1-based): chr19:11,192,999, C>T on the plus strand (G>A on the coding strand, the complement: KANK2 is on the minus strand). VCF-style: chr19-11192999-C-T. GRCh37 (hg19) VCF-style: chr19-11303675-C-T.
Other names: c.1081G>A, p.Gly361Ser (NM_001329451.2, NM_001379548.1, NM_001379549.1 and 15 more transcripts); c.1081G>A (NM_015493.6); short protein forms G361S.
Identifiers: ClinVar variation 1408331 (VCV001408331.7), dbSNP rs929051695, ClinGen allele CA305357712.
Genomic context (GRCh38, chr19:11,192,999, plus strand): 5'-TGCGGAACACAGGTGGGCTCTCAGGCCTACCAGGCATTGCCAGGGCCCTCAGCCCTGTGC[C>T]GTAAGGCTCCAGGCTCTGGGCCCGCTGTGCGGGGGCGCCAGCGGCTGTGCTGGCCACCAC-3'
Protein context (NP_001129663.1, residues 351-371): AQRAQSLEPY[Gly361Ser]TGLRALAMPG